The following is an entry in ClinVar:

ClinVar aggregate classification (germline): Uncertain significance. Review status: criteria provided, multiple submitters, no conflicts (2 of 4 stars). 3 submissions from 3 submitters: Uncertain significance (3). Last evaluated 2025-10-07.

Allele frequency attached by ClinVar (database versions not stated): ExAC 0.00002; TOPMed 0.00003; gnomAD 0.00005; gnomAD exomes 0.00006.
gnomAD v4.1: 101 of 1,614,036 alleles (0.0063%); highest among the groups gnomAD compares: Non-Finnish European, 0.0083%; 1 homozygote.

Submissions (3):

Women's Health and Genetics/Laboratory Corporation of America, LabCorp
Classification: Uncertain significance. Last evaluated: 2025-10-07. Review status: criteria provided, single submitter. Criteria: LabCorp Variant Classification Summary - May 2015. Collection method: clinical testing. Allele origin: germline.
Comment: Variant summary: ARHGEF10 c.3656A>G (p.Gln1219Arg) results in a conservative amino acid change in the encoded protein sequence. Algorithms developed to predict the effect of missense changes on protein structure and function all suggest that this variant is likely to be tolerated. The variant allele was found at a frequency of 1.6e-05 in 251408 control chromosomes. The available data on variant occurrences in the general population are insufficient to allow any conclusion about variant significance. To our knowledge, no occurrence of c.3656A>G in individuals affected with ARHGEF10-related conditions and no experimental evidence demonstrating its impact on protein function have been reported. ClinVar contains an entry for this variant (Variation ID: 2758360). Based on the evidence outlined above, the variant was classified as uncertain significance.

Ambry Genetics
Classification: Uncertain significance. Last evaluated: 2025-02-26. Review status: criteria provided, single submitter. Criteria: Ambry Variant Classification Scheme 2023. Collection method: clinical testing. Allele origin: germline.

Labcorp Genetics (formerly Invitae), Labcorp
Classification: Uncertain significance. Last evaluated: 2024-08-12. Review status: criteria provided, single submitter. Criteria: Invitae Variant Classification Sherloc (09022015). Collection method: clinical testing. Allele origin: germline.
Comment: This sequence change replaces glutamine, which is neutral and polar, with arginine, which is basic and polar, at codon 1219 of the ARHGEF10 protein (p.Gln1219Arg). This variant is present in population databases (rs746004270, gnomAD 0.006%). This variant has not been reported in the literature in individuals affected with ARHGEF10-related conditions. An algorithm developed to predict the effect of missense changes on protein structure and function outputs the following: PolyPhen-2: "Benign". The arginine amino acid residue is found in multiple mammalian species, which suggests that this missense change does not adversely affect protein function. In summary, the available evidence is currently insufficient to determine the role of this variant in disease. Therefore, it has been classified as a Variant of Uncertain Significance.

NM_014629.4(ARHGEF10):c.3656A>G (p.Gln1219Arg)

Gene: ARHGEF10 (Rho guanine nucleotide exchange factor 10; plus strand). Cytogenetic location: 8p23.3.
Variant type: single nucleotide variant.
Coding change: c.3656A>G on transcript NM_014629.4 (MANE Select); coding-DNA position 3656, A replaced by G.
Protein change: p.Gln1219Arg; replaces glutamine 1219 with arginine.
Molecular consequence: missense variant.
Genome position (GRCh38, 1-based): chr8:1,956,884, A>G. VCF-style: chr8-1956884-A-G. GRCh37 (hg19) VCF-style: chr8-1905050-A-G.
Other names: c.3542A>G, p.Gln1181Arg (NM_001308152.2); c.3656A>G, p.Gln1219Arg (NM_001308153.3); short protein forms Q1219R, Q1243R, Q1181R.
Identifiers: ClinVar variation 2758360 (VCV002758360.5), dbSNP rs746004270, ClinGen allele CA4601452.